The following is an entry in ClinVar:

ClinVar aggregate classification (germline): Pathogenic (1 of 4 stars; one submission).

Conditions:
Hereditary breast ovarian cancer syndrome. Also called: Hereditary breast and ovarian cancer syndrome; Hereditary breast and ovarian cancer; Hereditary breast and ovarian cancer syndrome (HBOC); Breast and ovarian cancer; Hereditary breast and/or ovarian cancer syndrome; BRCA1- and BRCA2-Associated Hereditary Breast and Ovarian Cancer. Identifiers: Orphanet 145, MedGen C0677776, MeSH D061325, MONDO:0003582. Disease mechanism: loss of function.

Submission:

Labcorp Genetics (formerly Invitae), Labcorp
Classification: Pathogenic for Hereditary breast ovarian cancer syndrome. Last evaluated: 2024-01-03. Review status: criteria provided, single submitter. Criteria: Invitae Variant Classification Sherloc (09022015). Collection method: clinical testing. Allele origin: unknown.
Comment: This variant is a gross deletion of the genomic region encompassing exon(s) 22-23 of the BRCA1 gene, which includes the termination codon. This deletion extends beyond the assayed region for this gene and therefore may encompass additional genes. While this deletion is not anticipated to lead to nonsense mediated decay, it is expected to alter mRNA translation or result in a truncated protein product. A similar copy number variant has been observed in individual(s) with breast and/or ovarian cancer (PMID: 16715518, 16793929, 17333342, 18431737, 24825132). It has also been observed to segregate with disease in related individuals. This variant is also known as deletion of exons 23-24. The region of the BRCA1 gene that includes exon(s) 22-23 has been determined to be clinically significant (PMID: 16715518, 16793929, 17333342, 18431737, 24825132). Therefore, deletions that encompass that region are likely to be disease-causing. For these reasons, this variant has been classified as Pathogenic.

Literature cited by the submitters: PubMed 16715518; PubMed 16793929; PubMed 17333342; PubMed 18431737; PubMed 24825132.

NC_000017.10:g.(?_41197695)_(41199745_?)del

Gene: BRCA1 (BRCA1 DNA repair associated; minus strand). Cytogenetic location: 17q21.31.
Variant type: Deletion.
Identifiers: ClinVar variation 3242991 (VCV003242991.1).